The following is an entry in ClinVar:

NM_000179.3(MSH6):c.438G>C (p.Arg146Ser)

Gene: MSH6 (mutS homolog 6; plus strand). Cytogenetic location: 2p16.3.
Variant type: single nucleotide variant.
Coding change: c.438G>C on transcript NM_000179.3 (MANE Select); coding-DNA position 438, G replaced by C.
Protein change: p.Arg146Ser; replaces arginine 146 with serine.
Molecular consequence: missense variant. On other transcripts: 5 prime UTR variant (2), intron variant (1).
Genome position (GRCh38, 1-based): chr2:47,791,104, G>C. VCF-style: chr2-47791104-G-C. GRCh37 (hg19) VCF-style: chr2-48018243-G-C.
Other names: c.-299G>C (NM_001281493.2); c.-465G>C (NM_001281494.2); c.238-7507G>C (NM_001281492.2); c.438G>C (NM_000179.2); short protein forms R146S.
Identifiers: ClinVar variation 1482192 (VCV001482192.9), dbSNP rs2104111549, ClinGen allele CA346737173.

ClinVar aggregate classification (germline): Uncertain significance. Review status: criteria provided, multiple submitters, no conflicts (2 of 4 stars). 2 submissions from 2 submitters: Uncertain significance (2). Last evaluated 2025-08-03.

Conditions:
Hereditary cancer-predisposing syndrome. Also called: Tumor predisposition; Hereditary Cancer Syndrome; Hereditary neoplastic syndrome; Neoplastic Syndromes, Hereditary. Identifiers: Orphanet 140162, MedGen C0027672, MeSH D009386, MONDO:0015356.
Hereditary nonpolyposis colorectal neoplasms. Identifiers: MedGen C0009405, MeSH D003123.

Submissions (2):

Ambry Genetics
Classification: Uncertain significance for Hereditary cancer-predisposing syndrome. Last evaluated: 2025-08-03. Review status: criteria provided, single submitter. Criteria: Ambry Variant Classification Scheme 2023. Collection method: clinical testing. Allele origin: germline.
Comment: The p.R146S variant (also known as c.438G>C), located in coding exon 2 of the MSH6 gene, results from a G to C substitution at nucleotide position 438. The arginine at codon 146 is replaced by serine, an amino acid with dissimilar properties. This amino acid position is conserved. In addition, this alteration is predicted to be tolerated by in silico analysis. Based on the available evidence, the clinical significance of this variant remains unclear.

Labcorp Genetics (formerly Invitae), Labcorp
Classification: Uncertain significance for Hereditary nonpolyposis colorectal neoplasms. Last evaluated: 2021-04-13. Review status: criteria provided, single submitter. Criteria: Invitae Variant Classification Sherloc (09022015). Collection method: clinical testing. Allele origin: germline.
Comment: This variant is not present in population databases (ExAC no frequency). This variant has not been reported in the literature in individuals with MSH6-related conditions. Advanced modeling of protein sequence and biophysical properties (such as structural, functional, and spatial information, amino acid conservation, physicochemical variation, residue mobility, and thermodynamic stability) performed at Invitae indicates that this missense variant is not expected to disrupt MSH6 protein function. In summary, the available evidence is currently insufficient to determine the role of this variant in disease. Therefore, it has been classified as a Variant of Uncertain Significance. This sequence change replaces arginine with serine at codon 146 of the MSH6 protein (p.Arg146Ser). The arginine residue is weakly conserved and there is a moderate physicochemical difference between arginine and serine.